The following is an entry in ClinVar:

NM_024876.4(COQ8B):c.577-203C>T

Gene: COQ8B (coenzyme Q8B; minus strand). Cytogenetic location: 19q13.2.
Variant type: single nucleotide variant.
Coding change: c.577-203C>T on transcript NM_024876.4 (MANE Select); 203 bases into the intron before coding-DNA position 577, C replaced by T.
Molecular consequence: intron variant.
Genome position (GRCh38, 1-based): chr19:40,704,058, G>A on the plus strand (C>T on the coding strand, the complement: COQ8B is on the minus strand). VCF-style: chr19-40704058-G-A. GRCh37 (hg19) VCF-style: chr19-41209963-G-A.
Other names: c.454-203C>T (NM_001142555.3).
Identifiers: ClinVar variation 673640 (VCV000673640.1), dbSNP rs58152093, ClinGen allele CA308445167.

ClinVar aggregate classification (germline): Likely benign (1 of 4 stars; one submission).

Allele frequency attached by ClinVar (database versions not stated): gnomAD exomes 0.00043; gnomAD 0.00409 and 0.00441; TOPMed 0.00430; 1000 Genomes Project 0.00519; 1000 Genomes Project 30x 0.00578.
gnomAD v4.1: 825 of 623,098 alleles (0.13%); highest among the groups gnomAD compares: African/African-American, 1.4%; 3 homozygotes.

Submission:

GeneDx
Classification: Likely benign. Last evaluated: 2018-06-16. Review status: criteria provided, single submitter. Criteria: GeneDx Variant Classification (06012015). Collection method: clinical testing. Allele origin: germline. Affected: yes.
Comment: This variant is considered likely benign or benign based on one or more of the following criteria: it is a conservative change, it occurs at a poorly conserved position in the protein, it is predicted to be benign by multiple in silico algorithms, and/or has population frequency not consistent with disease.